The following is an entry in ClinVar:

ClinVar aggregate classification (germline): Conflicting classifications of pathogenicity. Review status: criteria provided, conflicting classifications (1 of 4 stars). 5 submissions from 5 submitters: Uncertain significance (3); Likely benign (2). Last evaluated 2025-06-16.

Conditions:
TTN-related disorder. Also called: TTN-related disorders; TTN-related condition; TTN-related disease.
Autosomal recessive limb-girdle muscular dystrophy type 2J (LGMDR10). Also called: Limb-girdle muscular dystrophy, type 2J; MUSCULAR DYSTROPHY, LIMB-GIRDLE, AUTOSOMAL RECESSIVE 10. Identifiers: Orphanet 140922, MedGen C1837342, MONDO:0012127, OMIM 608807.
Dilated cardiomyopathy 1G (CMD1G). Identifiers: Orphanet 154, MedGen C1858763, MONDO:0011400, OMIM 604145.
Early-onset myopathy with fatal cardiomyopathy (CMYO5). Also called: Salih Myopathy; CONGENITAL MYOPATHY 5 WITH CARDIOMYOPATHY. Identifiers: Orphanet 289377, MedGen C2673677, MONDO:0012714, OMIM 611705. Disease mechanism: loss of function.
Hypertrophic cardiomyopathy 9. Also called: Familial hypertrophic cardiomyopathy 9. Identifiers: MedGen C1861065, MONDO:0013412, OMIM 613765.
Myopathy, myofibrillar, 9, with early respiratory failure (MFM9). Also called: Hereditary myopathy with early respiratory failure; MYOPATHY, PROXIMAL, WITH EARLY RESPIRATORY MUSCLE INVOLVEMENT; EDSTROM MYOPATHY; Myopathy, distal, with early respiratory failure, autosomal dominant. Identifiers: Orphanet 178464, Orphanet 34521, MedGen C1863599, MONDO:0011362, OMIM 603689.
Tibial muscular dystrophy (TMD). Also called: UDD MYOPATHY; Tibial muscular dystrophy, tardive; Udd Distal Myopathy – Tibial Muscular Dystrophy. Identifiers: Orphanet 609, MedGen C1838244, MONDO:0010870, OMIM 600334.

Allele frequency attached by ClinVar (database versions not stated): gnomAD 0.00013 and 0.00015; TOPMed 0.00020; ESP Exome Variant Server 0.00035.
gnomAD v4.1: 317 of 1,613,132 alleles (0.02%); highest among the groups gnomAD compares: Admixed American, 0.028%; no homozygotes.

Submissions (5):

PreventionGenetics, part of Exact Sciences
Classification: Uncertain significance for TTN-related condition. Last evaluated: 2025-06-16. Review status: criteria provided, single submitter. Criteria: ACMG Guidelines, 2015. Collection method: clinical testing. Allele origin: germline.
Comment: The TTN c.36391C>T variant is predicted to result in the amino acid substitution p.Arg12131Cys. To our knowledge, this variant has not been reported in the literature. This variant is reported in 0.037% of alleles in individuals of Latino descent in gnomAD. This variant has conflicting classifications in ClinVar ranging from uncertain to likely benign (ID: 404969). At this time, the clinical significance of this variant is uncertain due to the absence of conclusive functional and genetic evidence.

Molecular Diagnostic Laboratory for Inherited Cardiovascular Disease, Montreal Heart Institute
Classification: Likely benign. Last evaluated: 2025-04-09. Review status: criteria provided, single submitter. Criteria: ACMG Guidelines, 2015. Collection method: clinical testing. Allele origin: germline. Affected: no.
Comment: BP1

Blueprint Genetics
Classification: Likely benign. Last evaluated: 2024-09-07. Review status: criteria provided, single submitter. Criteria: ACMG Guidelines, 2015. Collection method: clinical testing. Allele origin: germline.

Fulgent Genetics
Classification: Uncertain significance for Tibial muscular dystrophy; Myopathy, myofibrillar, 9, with early respiratory failure; Dilated cardiomyopathy 1G; Autosomal recessive limb-girdle muscular dystrophy type 2J; Early-onset myopathy with fatal cardiomyopathy; Hypertrophic cardiomyopathy 9. Last evaluated: 2021-07-13. Review status: criteria provided, single submitter. Criteria: ACMG Guidelines, 2015. Collection method: clinical testing. Allele origin: unknown.

Labcorp Genetics (formerly Invitae), Labcorp
Classification: Uncertain significance for Dilated cardiomyopathy 1G; Autosomal recessive limb-girdle muscular dystrophy type 2J. Last evaluated: 2017-08-31. Review status: criteria provided, single submitter. Criteria: Invitae Variant Classification Sherloc (09022015). Collection method: clinical testing. Allele origin: germline.

NM_001267550.2(TTN):c.36391C>T (p.Arg12131Cys)

Gene: TTN (titin; minus strand). Cytogenetic location: 2q31.2.
Variant type: single nucleotide variant.
Coding change: c.36391C>T on transcript NM_001267550.2 (MANE Select); coding-DNA position 36391, C replaced by T.
Protein change: p.Arg12131Cys; replaces arginine 12131 with cysteine.
Molecular consequence: missense variant. On other transcripts: intron variant (5).
Genome position (GRCh38, 1-based): chr2:178,663,876, G>A on the plus strand (C>T on the coding strand, the complement: TTN is on the minus strand). VCF-style: chr2-178663876-G-A. GRCh37 (hg19) VCF-style: chr2-179528603-G-A.
Other names: c.13283-21559C>T (NM_003319.4); c.13859-21559C>T (NM_133437.4); c.13658-21559C>T (NM_133432.3); c.31484-821C>T (NM_133378.4); c.34265-821C>T (NM_001256850.1); short protein forms R12131C.
Identifiers: ClinVar variation 404969 (VCV000404969.8), dbSNP rs368607833, ClinGen allele CA1997504.